The following is an entry in ClinVar:

NM_004523.4(KIF11):c.2237C>G (p.Pro746Arg)

Gene: KIF11 (kinesin family member 11; plus strand). Cytogenetic location: 10q23.33.
Variant type: single nucleotide variant.
Coding change: c.2237C>G on transcript NM_004523.4 (MANE Select); coding-DNA position 2237, C replaced by G.
Protein change: p.Pro746Arg; replaces proline 746 with arginine.
Molecular consequence: missense variant.
Genome position (GRCh38, 1-based): chr10:92,639,870, C>G. VCF-style: chr10-92639870-C-G. GRCh37 (hg19) VCF-style: chr10-94399627-C-G.
Other names: short protein forms P746R.
Identifiers: ClinVar variation 972310 (VCV000972310.9), dbSNP rs748519260, ClinGen allele CA5604356.

ClinVar aggregate classification (germline): Uncertain significance (1 of 4 stars; one submission).

Allele frequency attached by ClinVar (database versions not stated): TOPMed 0.00001; ExAC 0.00002; gnomAD 0.00002; gnomAD exomes 0.00002.
gnomAD v4.1: 41 of 1,604,406 alleles (0.0026%); highest among the groups gnomAD compares: Non-Finnish European, 0.0034%; no homozygotes.

Submission:

Labcorp Genetics (formerly Invitae), Labcorp
Classification: Uncertain significance. Last evaluated: 2021-06-01. Review status: criteria provided, single submitter. Criteria: Invitae Variant Classification Sherloc (09022015). Collection method: clinical testing. Allele origin: germline.
Comment: This sequence change replaces proline with arginine at codon 746 of the KIF11 protein (p.Pro746Arg). The proline residue is highly conserved and there is a moderate physicochemical difference between proline and arginine. This variant is present in population databases (rs748519260, ExAC 0.003%). This variant has not been reported in the literature in individuals with KIF11-related conditions. Algorithms developed to predict the effect of missense changes on protein structure and function are either unavailable or do not agree on the potential impact of this missense change (SIFT: "Deleterious"; PolyPhen-2: "Possibly Damaging"; Align-GVGD: "Class C15"). In summary, the available evidence is currently insufficient to determine the role of this variant in disease. Therefore, it has been classified as a Variant of Uncertain Significance.